The following is an entry in ClinVar:

NM_000834.5(GRIN2B):c.2359+16G>C

Gene: GRIN2B (glutamate ionotropic receptor NMDA type subunit 2B; minus strand). Cytogenetic location: 12p13.1.
Variant type: single nucleotide variant.
Coding change: c.2359+16G>C on transcript NM_000834.5 (MANE Select); 16 bases into the intron after coding-DNA position 2359, G replaced by C.
Molecular consequence: intron variant.
Genome position (GRCh38, 1-based): chr12:13,569,814, C>G on the plus strand (G>C on the coding strand, the complement: GRIN2B is on the minus strand). VCF-style: chr12-13569814-C-G. GRCh37 (hg19) VCF-style: chr12-13722748-C-G.
Identifiers: ClinVar variation 669049 (VCV000669049.6), dbSNP rs781365670, ClinGen allele CA6461078.

ClinVar aggregate classification (germline): Likely benign. Review status: criteria provided, multiple submitters, no conflicts (2 of 4 stars). 2 submissions from 2 submitters: Likely benign (2). Last evaluated 2022-12-30.

Conditions:
Intellectual developmental disorder, autosomal dominant 6, with or without seizures. Also called: Intellectual disability, autosomal dominant 6; GRIN2B-related developmental delay, intellectual disability and autism spectrum disorder. Identifiers: Orphanet 589547, MedGen C3151411, MONDO:0013509, OMIM 613970.
Developmental and epileptic encephalopathy, 27 (DEE27). Also called: GRIN2B-Related Neurodevelopmental Disorder; Epileptic encephalopathy, early infantile, 27. Identifiers: Orphanet 3451, MedGen C4015316, MONDO:0014505, OMIM 616139.

Allele frequency attached by ClinVar (database versions not stated): gnomAD exomes 0.00002.
gnomAD v4.1: 5 of 1,548,760 alleles (0.00032%); highest among the groups gnomAD compares: Admixed American, 0.0091%; no homozygotes.

Submissions (2):

Labcorp Genetics (formerly Invitae), Labcorp
Classification: Likely benign for Developmental and epileptic encephalopathy, 27; Intellectual developmental disorder, autosomal dominant 6, with or without seizures. Last evaluated: 2022-12-30. Review status: criteria provided, single submitter. Criteria: Invitae Variant Classification Sherloc (09022015). Collection method: clinical testing. Allele origin: germline.

GeneDx
Classification: Likely benign. Last evaluated: 2018-06-05. Review status: criteria provided, single submitter. Criteria: GeneDx Variant Classification (06012015). Collection method: clinical testing. Allele origin: germline. Affected: yes.
Comment: This variant is considered likely benign or benign based on one or more of the following criteria: it is a conservative change, it occurs at a poorly conserved position in the protein, it is predicted to be benign by multiple in silico algorithms, and/or has population frequency not consistent with disease.